The following is an entry in ClinVar:

ClinVar aggregate classification (germline): Uncertain significance. Review status: criteria provided, multiple submitters, no conflicts (2 of 4 stars). 2 submissions from 2 submitters: Uncertain significance (2). Last evaluated 2025-05-08.

Conditions:
Dyskeratosis congenita. Identifiers: Orphanet 1775, MedGen C0265965, MONDO:0015780.
Dyskeratosis congenita, autosomal dominant 2. Identifiers: MedGen C3151443, MONDO:0013521, OMIM 613989.
Idiopathic Pulmonary Fibrosis. Also called: Idiopathic fibrosing alveolitis, chronic form; idiopathic fibrosing alveolitis. Identifiers: Orphanet 2032, MedGen C1800706, MeSH D054990, MONDO:0800504.

Allele frequency attached by ClinVar (database versions not stated): gnomAD below 0.00001 and 0.00002; gnomAD exomes 0.00002; ExAC 0.00009; 1000 Genomes Project 30x 0.00016; 1000 Genomes Project 0.00020.
gnomAD v4.1: 15 of 1,573,188 alleles (0.00095%); highest among the groups gnomAD compares: South Asian, 0.014%; no homozygotes.

Submissions (2):

Ambry Genetics
Classification: Uncertain significance for Dyskeratosis congenita. Last evaluated: 2025-05-08. Review status: criteria provided, single submitter. Criteria: Ambry Variant Classification Scheme 2023. Collection method: clinical testing. Allele origin: germline.
Comment: The p.A401V variant (also known as c.1202C>T), located in coding exon 2 of the TERT gene, results from a C to T substitution at nucleotide position 1202. The alanine at codon 401 is replaced by valine, an amino acid with similar properties. This amino acid position is not well conserved in available vertebrate species. In addition, the in silico prediction for this alteration is inconclusive. Based on the available evidence, the clinical significance of this variant remains unclear.

Labcorp Genetics (formerly Invitae), Labcorp
Classification: Uncertain significance for Dyskeratosis congenita, autosomal dominant 2; Idiopathic Pulmonary Fibrosis. Last evaluated: 2021-08-24. Review status: criteria provided, single submitter. Criteria: Invitae Variant Classification Sherloc (09022015). Collection method: clinical testing. Allele origin: germline.
Comment: This sequence change replaces alanine with valine at codon 401 of the TERT protein (p.Ala401Val). The alanine residue is weakly conserved and there is a small physicochemical difference between alanine and valine. This variant is present in population databases (rs539667998, ExAC 0.06%). This variant has not been reported in the literature in individuals affected with TERT-related conditions. Algorithms developed to predict the effect of missense changes on protein structure and function output the following: SIFT: "Tolerated"; PolyPhen-2: "Benign"; Align-GVGD: "Class C0". The valine amino acid residue is found in multiple mammalian species, which suggests that this missense change does not adversely affect protein function. In summary, the available evidence is currently insufficient to determine the role of this variant in disease. Therefore, it has been classified as a Variant of Uncertain Significance.

NM_198253.3(TERT):c.1202C>T (p.Ala401Val)

Gene: TERT (telomerase reverse transcriptase; minus strand). Cytogenetic location: 5p15.33.
Variant type: single nucleotide variant.
Coding change: c.1202C>T on transcript NM_198253.3 (MANE Select); coding-DNA position 1202, C replaced by T.
Protein change: p.Ala401Val; replaces alanine 401 with valine.
Molecular consequence: missense variant. On other transcripts: non-coding transcript variant (2).
Genome position (GRCh38, 1-based): chr5:1,293,684, G>A on the plus strand (C>T on the coding strand, the complement: TERT is on the minus strand). VCF-style: chr5-1293684-G-A. GRCh37 (hg19) VCF-style: chr5-1293799-G-A.
Other names: c.1202C>T, p.Ala401Val (NM_001193376.3); short protein forms A401V.
Identifiers: ClinVar variation 471816 (VCV000471816.10), dbSNP rs539667998, ClinGen allele CA3184869.